The following is an entry in ClinVar:

NM_000256.3(MYBPC3):c.1072G>A (p.Asp358Asn)

Gene: MYBPC3 (myosin binding protein C3; minus strand). Cytogenetic location: 11p11.2.
Variant type: single nucleotide variant.
Coding change: c.1072G>A on transcript NM_000256.3 (MANE Select); coding-DNA position 1072, G replaced by A.
Protein change: p.Asp358Asn; replaces aspartic acid 358 with asparagine.
Molecular consequence: missense variant.
Genome position (GRCh38, 1-based): chr11:47,346,225, C>T on the plus strand (G>A on the coding strand, the complement: MYBPC3 is on the minus strand). VCF-style: chr11-47346225-C-T. GRCh37 (hg19) VCF-style: chr11-47367776-C-T.
Other names: c.1072G>A, p.Asp358Asn (LRG_386t1); short protein forms D358N.
Identifiers: ClinVar variation 407328 (VCV000407328.24), dbSNP rs746267533, ClinGen allele CA042250.

ClinVar aggregate classification (germline): Uncertain significance. Review status: criteria provided, multiple submitters, no conflicts (2 of 4 stars). 8 submissions from 8 submitters: Uncertain significance (8). Last evaluated 2026-05-11.

Conditions:
MYBPC3-related disorder. Also called: MYBPC3-related disorders; MYBPC3-related condition; MYBPC3-related disease.
Cardiovascular phenotype. Identifiers: MedGen CN230736.
Cardiomyopathy (CMYO). Also called: Cardiomyopathies. Identifiers: Orphanet 167848, MedGen C0878544, MONDO:0004994, HP:0001638. Inheritance: Various modes of inheritance.
Hypertrophic cardiomyopathy 4. Also called: Familial hypertrophic cardiomyopathy 4. Identifiers: MedGen C1861862, MONDO:0007268, OMIM 115197.
Hypertrophic cardiomyopathy. Also called: HYPERTROPHIC MYOCARDIOPATHY. Identifiers: Orphanet 217569, MedGen C0007194, MeSH D002312, MONDO:0005045, HP:0001639.

Allele frequency attached by ClinVar (database versions not stated): ExAC 0.00001; TOPMed 0.00001; gnomAD 0.00003.
gnomAD v4.1: 104 of 1,613,802 alleles (0.0064%); highest among the groups gnomAD compares: Non-Finnish European, 0.0078%; no homozygotes.

Submissions (8):

PreventionGenetics, part of Exact Sciences
Classification: Uncertain significance for MYBPC3-related condition. Last evaluated: 2026-05-11. Review status: criteria provided, single submitter. Criteria: ACMG Guidelines, 2015. Collection method: clinical testing. Allele origin: germline.
Comment: The MYBPC3 c.1072G>A variant is predicted to result in the amino acid substitution p.Asp358Asn. This variant has been observed in large cohort studies of individuals with hypertrophic cardiomyopathy and/or other MYBPC3‑related conditions (Supplementary table 1, Lopes et al. 2014. PubMed ID: 25351510; Table S1A, Walsh et al 2017. PubMed ID: 27532257; Supplementary table 21, Harper et al. 2021. PubMed ID: 33495597; Supplementary table S8 and S10, McGurk et al. 2023. PubMed ID: 37652022; Table S16, Jensson et al. 2023. PubMed ID: 37937776). This variant is reported in 0.016% of alleles in individuals of European (Finnish) descent in gnomAD. This variant is consistently interpreted as uncertain in ClinVar (ClinVar ID: 407328). At this time, the clinical significance of this variant is uncertain due to the absence of conclusive functional and genetic evidence.

Color Diagnostics, LLC DBA Color Health
Classification: Uncertain significance for Cardiomyopathy. Last evaluated: 2025-11-26. Review status: criteria provided, single submitter. Criteria: ACMG Guidelines, 2015. Collection method: clinical testing. Allele origin: germline.
Comment: This missense variant replaces aspartic acid with asparagine at codon 358 of the MYBPC3 protein. Computational prediction suggests that this variant may not impact protein structure and function. To our knowledge, functional studies have not been reported for this variant. This variant has been reported in individuals affected with hypertrophic cardiomyopathy (PMID: 25351510, 27532257, 33495597) or sudden cardiac death (PMID: 37937776). This variant has been identified in 104/1613802 chromosomes in the general population by the Genome Aggregation Database (gnomAD). The available evidence is insufficient to determine the role of this variant in disease conclusively. Therefore, this variant is classified as a Variant of Uncertain Significance.

Labcorp Genetics (formerly Invitae), Labcorp
Classification: Uncertain significance for Hypertrophic cardiomyopathy. Last evaluated: 2025-10-05. Review status: criteria provided, single submitter. Criteria: Invitae Variant Classification Sherloc (09022015). Collection method: clinical testing. Allele origin: germline.
Comment: This sequence change replaces aspartic acid, which is acidic and polar, with asparagine, which is neutral and polar, at codon 358 of the MYBPC3 protein (p.Asp358Asn). This variant is present in population databases (rs746267533, gnomAD 0.02%). This missense change has been observed in individual(s) with hypertrophic cardiomyopathy and/or MYBPC3-related conditions (PMID: 25351510, 27532257, 37652022, 37937776). ClinVar contains an entry for this variant (Variation ID: 407328). An algorithm developed to predict the effect of missense changes on protein structure and function (PolyPhen-2) suggests that this variant is likely to be tolerated. In summary, the available evidence is currently insufficient to determine the role of this variant in disease. Therefore, it has been classified as a Variant of Uncertain Significance.

Ambry Genetics
Classification: Uncertain significance for Cardiovascular phenotype. Last evaluated: 2025-07-18. Review status: criteria provided, single submitter. Criteria: Ambry Variant Classification Scheme 2023. Collection method: clinical testing. Allele origin: germline.
Comment: The p.D358N variant (also known as c.1072G>A), located in coding exon 12 of the MYBPC3 gene, results from a G to A substitution at nucleotide position 1072. The aspartic acid at codon 358 is replaced by asparagine, an amino acid with highly similar properties. This variant has been reported in hypertrophic cardiomyopathy cohorts; however, clinical details were limited (Lopes LR et al. Heart. 2015;101:294-301; Walsh R et al. Genet Med. 2017 02;19(2):192-203). This amino acid position is not well conserved in available vertebrate species. In addition, this alteration is predicted to be tolerated by in silico analysis. Since supporting evidence is limited at this time, the clinical significance of this alteration remains unclear.

Victorian Clinical Genetics Services, Murdoch Childrens Research Institute
Classification: Uncertain significance for Hypertrophic cardiomyopathy 4. Last evaluated: 2025-05-12. Review status: criteria provided, single submitter. Criteria: ACMG Guidelines, 2015. Collection method: clinical testing. Allele origin: germline. Affected: yes.
Comment: This variant is classified as VUS-3B. Evidence in support of pathogenic classification: Variant is present in gnomAD <0.01 (v4: 104 heterozygote(s), 0 homozygote(s)). Evidence in support of benign classification: Missense variant predicted to be tolerated by in silico tool(s) or not conserved in placental mammals with a minor amino acid change. Additional information: Variant is predicted to result in a missense amino acid change from aspartic acid to asparagine; This variant is heterozygous; This gene is associated with both recessive and dominant disease. Dominant inheritance is frequently reported with an adult onset phenotype, and recessive inheritance with a more severe early onset phenotype (OMIM); Alternative amino acid change(s) at the same position are present in gnomAD (Highest allele count: v2: 4 heterozygote(s), 0 homozygote(s)); Previous evidence of pathogenicity for this variant is inconclusive. This variant has been classified as a VUS by clinical laboratories in ClinVar. It has also been reported in the literature in individuals with HCM and/or sudden death; however, it has been classified as a VUS in all reports (PMIDs: 25351510, 33495597, 27532257, 37937776); No published segregation evidence has been identified for this variant; No published functional evidence has been identified for this variant; Another missense variant comparable to the one identified in this case has inconclusive previous evidence for pathogenicity. The p.(Asp358Glu) variant has been classified as a VUS by clinical laboratories in ClinVar, and reported in the literature in individuals with idiopathic atrioventricular conduction disease and dilated cardiomyopathy (PMIDs: 36352534, 32041989); Variant is not located in an established domain, motif, hotspot or informative constraint region; Loss of function is a known mechanism of disease in this gene and is associated with hypertrophic cardiomyopathy 4 (MIM#115197); Variants in this gene are known to have variable expressivity (PMID: 32841044); Inheritance information for this variant is not currently available in this individual.

Molecular Diagnostic Laboratory for Inherited Cardiovascular Disease, Montreal Heart Institute
Classification: Uncertain significance for Cardiovascular phenotype. Last evaluated: 2025-04-09. Review status: criteria provided, single submitter. Criteria: ACMG Guidelines, 2015. Collection method: clinical testing. Allele origin: germline. Affected: yes.
Comment: PM2, PS4_supp, BP4

GeneDx
Classification: Uncertain significance. Last evaluated: 2025-04-03. Review status: criteria provided, single submitter. Criteria: GeneDx Variant Classification Process June 2021. Collection method: clinical testing. Allele origin: germline. Affected: yes.
Comment: Identified in patients with HCM in published literature (PMID: 25351510, 37652022, 27532257); In silico analysis indicates that this missense variant does not alter protein structure/function; This variant is associated with the following publications: (PMID: 27532257, 37937776, 25351510, 37652022)

All of Us Research Program, National Institutes of Health
Classification: Uncertain significance for Hypertrophic cardiomyopathy. Last evaluated: 2024-09-23. Review status: criteria provided, single submitter. Criteria: ACMG Guidelines, 2015. Collection method: clinical testing. Allele origin: germline. Inheritance: Autosomal dominant inheritance. Observed: 12 variant alleles, 12 heterozygotes.
Comment: This missense variant replaces aspartic acid with asparagine at codon 358 of the MYBPC3 protein. Computational prediction suggests that this variant may not impact protein structure and function (internally defined REVEL score threshold <= 0.5, PMID: 27666373). To our knowledge, functional studies have not been reported for this variant. This variant has been reported in individuals affected with hypertrophic cardiomyopathy (PMID: 25351510, 27532257, 33495597). This variant has been identified in 10/280354 chromosomes in the general population by the Genome Aggregation Database (gnomAD). The available evidence is insufficient to determine the role of this variant in disease conclusively. Therefore, this variant is classified as a Variant of Uncertain Significance.

This study involves interpretation of variants in research participants for the purpose of population health screening. Participant phenotype was not available at the time of variant classification. Additional details can be found in publication PMID: 35346344, PMCID: PMC8962531

Literature cited by the submitters: PubMed 25351510 (cited by 5 submitters); PubMed 27532257 (cited by 5 submitters); PubMed 33495597 (cited by 3 submitters); PubMed 37937776 (cited by 3 submitters); PubMed 37652022 (cited by Labcorp Genetics (formerly Invitae), Labcorp); PubMed 32841044 (cited by Victorian Clinical Genetics Services, Murdoch Childrens Research Institute); PubMed 36352534 (cited by Victorian Clinical Genetics Services, Murdoch Childrens Research Institute); PubMed 32041989 (cited by Victorian Clinical Genetics Services, Murdoch Childrens Research Institute).